The following is an entry in ClinVar:

ClinVar aggregate classification (germline): Likely benign. Review status: criteria provided, multiple submitters, no conflicts (2 of 4 stars). 3 submissions from 3 submitters: Likely benign (3). Last evaluated 2024-05-20.

Conditions:
Ataxia-telangiectasia syndrome (AT). Also called: ATAXIA-TELANGIECTASIA, COMPLEMENTATION GROUP A; ATAXIA-TELANGIECTASIA, FRESNO VARIANT; LOUIS-BAR SYNDROME; Ataxia telangiectasia (A-T); Cerebello-oculocutaneous telangiectasia; Immunodeficiency with ataxia telangiectasia. Identifiers: Orphanet 100, MedGen C0004135, MONDO:0008840, OMIM 208900.
Familial cancer of breast. Also called: BREAST CANCER, FAMILIAL; Hereditary breast cancer; hereditary breast carcinoma. Identifiers: Orphanet 227535, MedGen C0346153, MONDO:0016419, OMIM 114480. Disease mechanism: loss of function.
Hereditary cancer-predisposing syndrome. Also called: Tumor predisposition; Neoplastic Syndromes, Hereditary; Hereditary Cancer Syndrome; Hereditary neoplastic syndrome. Identifiers: Orphanet 140162, MedGen C0027672, MeSH D009386, MONDO:0015356.

Allele frequency attached by ClinVar (database versions not stated): gnomAD exomes below 0.00001.
gnomAD v4.1: 5 of 1,613,390 alleles (0.00031%); highest among the groups gnomAD compares: Non-Finnish European, 0.00042%; no homozygotes.

Submissions (3):

Myriad Genetics, Inc.
Classification: Likely benign for Familial cancer of breast. Last evaluated: 2024-05-20. Review status: criteria provided, single submitter. Criteria: Myriad Autosomal Dominant, Autosomal Recessive and X-Linked Classification Criteria (2023). Collection method: clinical testing. Allele origin: unknown.
Comment: This variant is considered likely benign. This variant is intronic and is not expected to impact mRNA splicing.

Labcorp Genetics (formerly Invitae), Labcorp
Classification: Likely benign for Ataxia-telangiectasia syndrome. Last evaluated: 2022-09-13. Review status: criteria provided, single submitter. Criteria: Invitae Variant Classification Sherloc (09022015). Collection method: clinical testing. Allele origin: germline.

Color Diagnostics, LLC DBA Color Health
Classification: Likely benign for Hereditary cancer-predisposing syndrome. Last evaluated: 2018-08-29. Review status: criteria provided, single submitter. Criteria: ACMG Guidelines, 2015. Collection method: clinical testing. Allele origin: germline.

NM_000051.4(ATM):c.4611+8T>G

Gene: ATM (ATM serine/threonine kinase; plus strand). Cytogenetic location: 11q22.3.
Variant type: single nucleotide variant.
Coding change: c.4611+8T>G on transcript NM_000051.4 (MANE Select); 8 bases into the intron after coding-DNA position 4611, T replaced by G.
Molecular consequence: intron variant.
Genome position (GRCh38, 1-based): chr11:108,292,801, T>G. VCF-style: chr11-108292801-T-G. GRCh37 (hg19) VCF-style: chr11-108163528-T-G.
Other names: c.4611+8T>G (NM_001351834.2).
Identifiers: ClinVar variation 629103 (VCV000629103.12), dbSNP rs1057522426, ClinGen allele CA913188385.
Genomic context (GRCh38, chr11:108,292,801, plus strand): 5'-TTGTTGGTACACTTATACCCCTTGTGTATGAGCAGGTGGAGGTTCAGAAACAGGTAATTT[T>G]CTGACTCATCTTCAAAATGGTATTTAAAATATATAAAGTATTGTTAGAAGGATTTGAGTG-3'